The following is an entry in ClinVar:

NM_021076.4(NEFH):c.967C>T (p.Arg323Cys)

Gene: NEFH (neurofilament heavy chain; plus strand). Cytogenetic location: 22q12.2.
Variant type: single nucleotide variant.
Coding change: c.967C>T on transcript NM_021076.4 (MANE Select); coding-DNA position 967, C replaced by T.
Protein change: p.Arg323Cys; replaces arginine 323 with cysteine.
Molecular consequence: missense variant.
Genome position (GRCh38, 1-based): chr22:29,483,458, C>T. VCF-style: chr22-29483458-C-T. GRCh37 (hg19) VCF-style: chr22-29879447-C-T.
Other names: short protein forms R323C.
Identifiers: ClinVar variation 1313502 (VCV001313502.4), dbSNP rs751855836, ClinGen allele CA10174078.
Genomic context (GRCh38, chr22:29,483,458, plus strand): 5'-GCAGCCAAGGTGAACACAGACGCTATGCGCTCAGCGCAGGAGGAGATAACTGAGTACCGG[C>T]GTCAGCTGCAGGCCAGGACCACAGAGCTGGAGGCACTGAAAAGCACCAAGGACTCACTGG-3'
Protein context (NP_066554.2, residues 313-333): SAQEEITEYR[Arg323Cys]QLQARTTELE

ClinVar aggregate classification (germline): Uncertain significance. Review status: criteria provided, multiple submitters, no conflicts (2 of 4 stars). 2 submissions from 2 submitters: Uncertain significance (2). Last evaluated 2024-03-06.

Allele frequency attached by ClinVar (database versions not stated): TOPMed below 0.00001; ExAC 0.00001; gnomAD 0.00001; gnomAD exomes 0.00001.

Submissions (2):

Labcorp Genetics (formerly Invitae), Labcorp
Classification: Uncertain significance. Last evaluated: 2024-03-06. Review status: criteria provided, single submitter. Criteria: Invitae Variant Classification Sherloc (09022015). Collection method: clinical testing. Allele origin: germline.
Comment: This sequence change replaces arginine, which is basic and polar, with cysteine, which is neutral and slightly polar, at codon 323 of the NEFH protein (p.Arg323Cys). This variant is present in population databases (rs751855836, gnomAD 0.002%). This variant has not been reported in the literature in individuals affected with NEFH-related conditions. ClinVar contains an entry for this variant (Variation ID: 1313502). Experimental studies and prediction algorithms are not available or were not evaluated, and the functional significance of this variant is currently unknown. In summary, the available evidence is currently insufficient to determine the role of this variant in disease. Therefore, it has been classified as a Variant of Uncertain Significance.

GeneDx
Classification: Uncertain significance. Last evaluated: 2020-10-23. Review status: criteria provided, single submitter. Criteria: GeneDx Variant Classification Process June 2021. Collection method: clinical testing. Allele origin: germline. Affected: yes.
Comment: In silico analysis supports that this missense variant has a deleterious effect on protein structure/function; Has not been previously published as pathogenic or benign to our knowledge